The following is an entry in ClinVar:

NM_000256.3(MYBPC3):c.1893C>T (p.Phe631=)

Gene: MYBPC3 (myosin binding protein C3; minus strand). Cytogenetic location: 11p11.2.
Variant type: single nucleotide variant.
Coding change: c.1893C>T on transcript NM_000256.3 (MANE Select); coding-DNA position 1893, C replaced by T.
Protein change: p.Phe631=; no amino-acid change (phenylalanine 631 retained).
Molecular consequence: synonymous variant.
Genome position (GRCh38, 1-based): chr11:47,341,142, G>A on the plus strand (C>T on the coding strand, the complement: MYBPC3 is on the minus strand). VCF-style: chr11-47341142-G-A. GRCh37 (hg19) VCF-style: chr11-47362693-G-A.
Identifiers: ClinVar variation 1581435 (VCV001581435.9), dbSNP rs2095888027, ClinGen allele CA474218147.
Genomic context (GRCh38, chr11:47,341,142, plus strand): 5'-TGACAGGGGCTCCTGGCCCCACTGCCCCGACCCACCCTACCCTGGAGCAGGCTCACCCAT[G>A]AAGTGGAGCTTGGCTGACAGGTTGCAGGCGAAGCCCTCGGGCACAAAGCTGTAGTCAGCC-3'
Protein context (NP_000247.2, residues 621-641): FACNLSAKLH[Phe631=]MEVKIDFVPR

ClinVar aggregate classification (germline): Likely benign. Review status: criteria provided, multiple submitters, no conflicts (2 of 4 stars). 2 submissions from 2 submitters: Likely benign (2). Last evaluated 2026-03-27.

Conditions:
Hypertrophic cardiomyopathy. Also called: HYPERTROPHIC MYOCARDIOPATHY. Identifiers: Orphanet 217569, MedGen C0007194, MeSH D002312, MONDO:0005045, HP:0001639.

Allele frequency attached by ClinVar (database versions not stated): gnomAD 0.00001; TOPMed below 0.00001.
gnomAD v4.1: 1 of 1,592,604 alleles (0.000063%); highest among the groups gnomAD compares: African/African-American, 0.0013%; no homozygotes.

Submissions (2):

Molecular Diagnostic Laboratory for Inherited Cardiovascular Disease, Montreal Heart Institute
Classification: Likely benign. Last evaluated: 2026-03-27. Review status: criteria provided, single submitter. Criteria: ACMG Guidelines, 2015. Collection method: clinical testing. Allele origin: germline. Affected: no.
Comment: BP7

Labcorp Genetics (formerly Invitae), Labcorp
Classification: Likely benign for Hypertrophic cardiomyopathy. Last evaluated: 2024-02-24. Review status: criteria provided, single submitter. Criteria: Invitae Variant Classification Sherloc (09022015). Collection method: clinical testing. Allele origin: germline.